The following is an entry in ClinVar:

ClinVar aggregate classification (germline): Uncertain significance (1 of 4 stars; one submission).

Submission:

Ambry Genetics
Classification: Uncertain significance. Last evaluated: 2025-04-06. Review status: criteria provided, single submitter. Criteria: Ambry Variant Classification Scheme 2023. Collection method: clinical testing. Allele origin: germline.
Comment: The p.V476A variant (also known as c.1427T>C), located in coding exon 8 of the ATRIP gene, results from a T to C substitution at nucleotide position 1427. The valine at codon 476 is replaced by alanine, an amino acid with similar properties. This amino acid position is conserved. In addition, this alteration is predicted to be tolerated by in silico analysis. Based on the available evidence, the clinical significance of this variant remains unclear.

NM_130384.3(ATRIP):c.1427T>C (p.Val476Ala)

Genes: ATRIP (ATR interacting protein; plus strand), ATRIP-TREX1 (ATRIP-TREX1 readthrough; plus strand). Cytogenetic location: 3p21.31.
Variant type: single nucleotide variant.
Coding change: c.1427T>C on transcript NM_130384.3 (MANE Select); coding-DNA position 1427, T replaced by C.
Protein change: p.Val476Ala; replaces valine 476 with alanine.
Molecular consequence: missense variant. On other transcripts: non-coding transcript variant (1).
Genome position (GRCh38, 1-based): chr3:48,460,481, T>C. VCF-style: chr3-48460481-T-C. GRCh37 (hg19) VCF-style: chr3-48501880-T-C.
Other names: c.1046T>C, p.Val349Ala (NM_001271022.2); c.1148T>C, p.Val383Ala (NM_001271023.2); c.1427T>C, p.Val476Ala (NM_032166.4); short protein forms V476A, V349A, V383A.
Identifiers: ClinVar variation 3975994 (VCV003975994.1).